The following is an entry in ClinVar:

NM_005664.4(MKRN3):c.1453T>C (p.Leu485=)

Gene: MKRN3 (makorin ring finger protein 3; plus strand). Cytogenetic location: 15q11.2.
Variant type: single nucleotide variant.
Coding change: c.1453T>C on transcript NM_005664.4 (MANE Select); coding-DNA position 1453, T replaced by C.
Protein change: p.Leu485=; no amino-acid change (leucine 485 retained).
Molecular consequence: synonymous variant.
Genome position (GRCh38, 1-based): chr15:23,567,235, T>C. VCF-style: chr15-23567235-T-C. GRCh37 (hg19) VCF-style: chr15-23812382-T-C.
Identifiers: ClinVar variation 4822444 (VCV004822444.4).

ClinVar aggregate classification (germline): Likely benign (1 of 4 stars; one submission).

Submission:

CeGaT Center for Human Genetics Tuebingen
Classification: Likely benign. Last evaluated: 2026-01-01. Review status: criteria provided, single submitter. Criteria: CeGaT Center For Human Genetics Tuebingen Variant Classification Criteria Version 2. Collection method: clinical testing. Allele origin: germline. Affected: yes. Observed: 1 variant allele.
Comment: MKRN3: PM2:Supporting, BP4, BP7